The following is an entry in ClinVar:

NM_007294.4(BRCA1):c.4392T>A (p.Pro1464=)

Gene: BRCA1 (BRCA1 DNA repair associated; minus strand). Cytogenetic location: 17q21.31.
Variant type: single nucleotide variant.
Coding change: c.4392T>A on transcript NM_007294.4 (MANE Select); coding-DNA position 4392, T replaced by A.
Protein change: p.Pro1464=; no amino-acid change (proline 1464 retained).
Molecular consequence: synonymous variant. On other transcripts: intron variant (3).
Genome position (GRCh38, 1-based): chr17:43,076,580, A>T on the plus strand (T>A on the coding strand, the complement: BRCA1 is on the minus strand). VCF-style: chr17-43076580-A-T. GRCh37 (hg19) VCF-style: chr17-41228597-A-T.
Other names: c.702T>A, p.Pro234= (NM_001408510.1); c.699T>A, p.Pro233= (NM_001408511.1); c.579T>A, p.Pro193= (NM_001408512.1); c.4251T>A, p.Pro1417= (NM_007297.4, NM_001407692.1, NM_001407694.1 and 13 more transcripts); c.1080T>A, p.Pro360= (NM_007298.4, NM_007299.4, NM_007304.2 and 13 more transcripts); c.4455T>A, p.Pro1485= (NM_007300.4, NM_001407583.1, NM_001407585.1 and 1 more transcripts); c.836-5342T>A (NM_001408513.1); c.4214-5342T>A (NM_001407964.1); and 71 more.
Identifiers: ClinVar variation 194243 (VCV000194243.21), dbSNP rs794727102, ClinGen allele CA002819.

ClinVar aggregate classification (germline): Likely benign. Review status: reviewed by expert panel (3 of 4 stars). 5 submissions from 5 submitters: Likely benign (1). 4 of the submissions do not count toward it. Last evaluated 2017-06-29.

Conditions:
Hereditary breast ovarian cancer syndrome. Also called: Hereditary breast and ovarian cancer syndrome; Hereditary breast and ovarian cancer syndrome (HBOC); BRCA1- and BRCA2-Associated Hereditary Breast and Ovarian Cancer; Breast and ovarian cancer; Hereditary breast and ovarian cancer; Hereditary breast and/or ovarian cancer syndrome. Identifiers: Orphanet 145, MedGen C0677776, MeSH D061325, MONDO:0003582. Disease mechanism: loss of function.
Breast-ovarian cancer, familial, susceptibility to, 1 (BROVCA1). Also called: OVARIAN CANCER, SUSCEPTIBILITY TO; BRCA1 Hereditary Breast and Ovarian Cancer. Identifiers: Orphanet 145, MedGen C2676676, MONDO:0011450, OMIM 604370. Disease mechanism: loss of function.
Hereditary cancer-predisposing syndrome. Also called: Hereditary Cancer Syndrome; Hereditary neoplastic syndrome; Tumor predisposition; Neoplastic Syndromes, Hereditary. Identifiers: Orphanet 140162, MedGen C0027672, MeSH D009386, MONDO:0015356.

gnomAD v4.1: 1 of 1,613,734 alleles (0.000062%); no homozygotes.

Submissions (5):

Evidence-based Network for the Interpretation of Germline Mutant Alleles (ENIGMA)
Classification: Likely benign for Breast-ovarian cancer, familial, susceptibility to, 1. Last evaluated: 2017-06-29. Review status: reviewed by expert panel. Criteria: ENIGMA BRCA1/2 Classification Criteria (2017-06-29). Collection method: curation. Allele origin: germline.
Comment: Synonymous substitution variant, with low bioinformatic likelihood to result in a splicing aberration (Splicing prior probability 0.02).

Labcorp Genetics (formerly Invitae), Labcorp
Classification: Uncertain significance for Hereditary breast ovarian cancer syndrome. Last evaluated: 2024-06-28. Review status: criteria provided, single submitter. Criteria: Invitae Variant Classification Sherloc (09022015). Collection method: clinical testing. Allele origin: germline. Not counted in ClinVar's aggregate classification.
Comment: This sequence change affects codon 1464 of the BRCA1 mRNA. It is a 'silent' change, meaning that it does not change the encoded amino acid sequence of the BRCA1 protein. This variant is not present in population databases (gnomAD no frequency). This variant has been observed in individual(s) with breast cancer (PMID: 20215541, 28288110). ClinVar contains an entry for this variant (Variation ID: 194243). Studies have shown that this variant is associated with inconclusive levels of altered splicing (PMID: 20215541; Invitae). In summary, the available evidence is currently insufficient to determine the role of this variant in disease. Therefore, it has been classified as a Variant of Uncertain Significance.

Ambry Genetics
Classification: Likely benign for Hereditary cancer-predisposing syndrome. Last evaluated: 2024-04-08. Review status: criteria provided, single submitter. Criteria: Ambry Variant Classification Scheme 2023. Collection method: clinical testing. Allele origin: germline. Not counted in ClinVar's aggregate classification.

Color Diagnostics, LLC DBA Color Health
Classification: Uncertain significance for Hereditary cancer-predisposing syndrome. Last evaluated: 2022-09-20. Review status: criteria provided, single submitter. Criteria: ACMG Guidelines, 2015. Collection method: clinical testing. Allele origin: germline. Not counted in ClinVar's aggregate classification.
Comment: This synonymous variant causes a T>A change in exon 13 of the BRCA1 gene. This variant has been observed in cis with BRCA1 c.4379G>A (p.Ser1460Asn), in which lymphocyte RNA from carrier(s) of the c.[4379G>A;4392T>A] haplotype showed out-of-frame skipping of exon 14 and in-frame skipping of exons 13 and 14 (PMID: 20215541). However, the c.4392T>A variant also has been reported to not affect splicing in RNA studies (ClinVar SCV000276825.3). This variant has been reported in an individual affected with breast cancer (PMID: 28288110) and in cis with BRCA1 c.4379G>A (p.Ser1460Asn) in two individuals affected with breast cancer (PMID: 20215541). This variant has not been identified in the general population by the Genome Aggregation Database (gnomAD). Although there is a suspicion that this variant may not be associated with disease, additional RNA, functional and clinical studies are necessary to determine the role of this variant in disease conclusively. Therefore, this variant is classified as a Variant of Uncertain Significance.

Eurofins Ntd Llc (ga)
Classification: Uncertain significance. Last evaluated: 2014-09-04. Review status: criteria provided, single submitter. Criteria: EGL Classification Definitions 2015. Collection method: clinical testing. Allele origin: germline. Not counted in ClinVar's aggregate classification.

Literature cited by the submitters: PubMed 20215541 (cited by Labcorp Genetics (formerly Invitae), Labcorp and Color Diagnostics, LLC DBA Color Health); PubMed 28288110 (cited by Labcorp Genetics (formerly Invitae), Labcorp and Color Diagnostics, LLC DBA Color Health).